The following is an entry in ClinVar:

NM_053013.4(ENO3):c.326A>G (p.Asn109Ser)

Gene: ENO3 (enolase 3; plus strand). Cytogenetic location: 17p13.2.
Variant type: single nucleotide variant.
Coding change: c.326A>G on transcript NM_053013.4 (MANE Select); coding-DNA position 326, A replaced by G.
Protein change: p.Asn109Ser; replaces asparagine 109 with serine.
Molecular consequence: missense variant.
Genome position (GRCh38, 1-based): chr17:4,953,727, A>G. VCF-style: chr17-4953727-A-G. GRCh37 (hg19) VCF-style: chr17-4857022-A-G.
Other names: c.197A>G, p.Asn66Ser (NM_001193503.2); c.326A>G, p.Asn109Ser (NM_001374523.1, NM_001976.5); c.353A>G, p.Asn118Ser (NM_001374524.1); short protein forms N109S, N118S, N66S.
Identifiers: ClinVar variation 888829 (VCV000888829.6), dbSNP rs143749502, ClinGen allele CA8316267.

ClinVar aggregate classification (germline): Uncertain significance. Review status: criteria provided, multiple submitters, no conflicts (2 of 4 stars). 2 submissions from 2 submitters: Uncertain significance (2). Last evaluated 2024-10-21.

Conditions:
Glycogen storage disease due to muscle beta-enolase deficiency (GSD13). Also called: ENOLASE 3 DEFICIENCY; ENOLASE-BETA DEFICIENCY; GSD XIII; Glycogen Storage Disease Type XIII. Identifiers: Orphanet 99849, MedGen C2752027, MONDO:0013046, OMIM 612932.

Allele frequency attached by ClinVar (database versions not stated): ESP Exome Variant Server 0.00008; TOPMed 0.00010; ExAC 0.00011.

Submissions (2):

Labcorp Genetics (formerly Invitae), Labcorp
Classification: Uncertain significance for Glycogen storage disease due to muscle beta-enolase deficiency. Last evaluated: 2024-10-21. Review status: criteria provided, single submitter. Criteria: Invitae Variant Classification Sherloc (09022015). Collection method: clinical testing. Allele origin: germline.
Comment: This sequence change replaces asparagine, which is neutral and polar, with serine, which is neutral and polar, at codon 109 of the ENO3 protein (p.Asn109Ser). This variant is present in population databases (rs143749502, gnomAD 0.06%). This variant has not been reported in the literature in individuals affected with ENO3-related conditions. ClinVar contains an entry for this variant (Variation ID: 888829). Invitae Evidence Modeling of protein sequence and biophysical properties (such as structural, functional, and spatial information, amino acid conservation, physicochemical variation, residue mobility, and thermodynamic stability) indicates that this missense variant is expected to disrupt ENO3 protein function with a positive predictive value of 80%. In summary, the available evidence is currently insufficient to determine the role of this variant in disease. Therefore, it has been classified as a Variant of Uncertain Significance.

Illumina Laboratory Services, Illumina
Classification: Uncertain significance for Glycogen storage disease due to muscle beta-enolase deficiency. Last evaluated: 2018-01-12. Review status: criteria provided, single submitter. Criteria: ICSL Variant Classification Criteria 13 December 2019. Collection method: clinical testing. Allele origin: germline.